The following is an entry in ClinVar:

ClinVar aggregate classification (germline): Uncertain significance (1 of 4 stars; one submission).

Conditions:
Inborn genetic diseases. Identifiers: MedGen C0950123, MeSH D030342.

gnomAD v4.1: 9 of 1,604,888 alleles (0.00056%); highest among the groups gnomAD compares: South Asian, 0.0088%; no homozygotes.

Submission:

Ambry Genetics
Classification: Uncertain significance for Inborn genetic diseases. Last evaluated: 2026-01-20. Review status: criteria provided, single submitter. Criteria: Ambry Variant Classification Scheme 2023. Collection method: clinical testing. Allele origin: germline.
Comment: The p.H486D variant (also known as c.1456C>G), located in coding exon 13 of the ANKRD26 gene, results from a C to G substitution at nucleotide position 1456. The histidine at codon 486 is replaced by aspartic acid, an amino acid with similar properties. This amino acid position is conserved. In addition, this alteration is predicted to be tolerated by in silico analysis. Based on the available evidence, the clinical significance of this variant remains unclear.

NM_014915.3(ANKRD26):c.1456C>G (p.His486Asp)

Gene: ANKRD26 (ankyrin repeat domain 26; minus strand). Cytogenetic location: 10p12.1.
Variant type: single nucleotide variant.
Coding change: c.1456C>G on transcript NM_014915.3 (MANE Select); coding-DNA position 1456, C replaced by G.
Protein change: p.His486Asp; replaces histidine 486 with aspartic acid.
Molecular consequence: missense variant.
Genome position (GRCh38, 1-based): chr10:27,061,150, G>C on the plus strand (C>G on the coding strand, the complement: ANKRD26 is on the minus strand). VCF-style: chr10-27061150-G-C. GRCh37 (hg19) VCF-style: chr10-27350079-G-C.
Other names: c.1456C>G, p.His486Asp (NM_001256053.2); short protein forms H486D.
Identifiers: ClinVar variation 3397587 (VCV003397587.2).
Genomic context (GRCh38, chr10:27,061,150, plus strand): 5'-GGATATACACTTGTAGAATAACAGTTAACAAAAATACGCATTTTTTTTCCATACCCATGT[G>C]GGCTACTGGCATGCCTACATTTCTTGTATCCTCTAGTTTAGCCATCTTAAAGTTTCTTGA-3'
Protein context (NP_055730.2, residues 476-496): DTRNVGMPVA[His486Asp]MESPERYLHL